The following is an entry in ClinVar:

ClinVar aggregate classification (germline): Likely pathogenic (1 of 4 stars; one submission).

Conditions:
Joubert syndrome. Also called: CEREBELLOPARENCHYMAL DISORDER IV; JOUBERT-BOLTSHAUSER SYNDROME; Familial aplasia of the vermis. Identifiers: Orphanet 475, MedGen C5979921, MONDO:0018772.

Allele frequency attached by ClinVar (database versions not stated): TOPMed below 0.00001.
gnomAD v4.1: 1 of 1,550,666 alleles (0.000064%); highest among the groups gnomAD compares: Non-Finnish European, 0.000087%; no homozygotes.

Submission:

Labcorp Genetics (formerly Invitae), Labcorp
Classification: Likely pathogenic for Joubert syndrome. Last evaluated: 2022-11-29. Review status: criteria provided, single submitter. Criteria: Invitae Variant Classification Sherloc (09022015). Collection method: clinical testing. Allele origin: germline.
Comment: This sequence change replaces asparagine, which is neutral and polar, with lysine, which is basic and polar, at codon 456 of the INPP5E protein (p.Asn456Lys). This variant is not present in population databases (gnomAD no frequency). This variant has not been reported in the literature in individuals affected with INPP5E-related conditions. Advanced modeling of protein sequence and biophysical properties (such as structural, functional, and spatial information, amino acid conservation, physicochemical variation, residue mobility, and thermodynamic stability) performed at Invitae indicates that this missense variant is expected to disrupt INPP5E protein function. This variant disrupts the p.Asn456 amino acid residue in INPP5E. Other variant(s) that disrupt this residue have been determined to be pathogenic (Invitae). This suggests that this residue is clinically significant, and that variants that disrupt this residue are likely to be disease-causing. In summary, the currently available evidence indicates that the variant is pathogenic, but additional data are needed to prove that conclusively. Therefore, this variant has been classified as Likely Pathogenic.

NM_019892.6(INPP5E):c.1368C>A (p.Asn456Lys)

Gene: INPP5E (inositol polyphosphate-5-phosphatase E; minus strand). Cytogenetic location: 9q34.3.
Variant type: single nucleotide variant.
Coding change: c.1368C>A on transcript NM_019892.6 (MANE Select); coding-DNA position 1368, C replaced by A.
Protein change: p.Asn456Lys; replaces asparagine 456 with lysine.
Molecular consequence: missense variant.
Genome position (GRCh38, 1-based): chr9:136,432,498, G>T on the plus strand (C>A on the coding strand, the complement: INPP5E is on the minus strand). VCF-style: chr9-136432498-G-T. GRCh37 (hg19) VCF-style: chr9-139326950-G-T.
Other names: c.1365C>A, p.Asn455Lys (NM_001318502.2); short protein forms N455K, N456K.
Identifiers: ClinVar variation 1932855 (VCV001932855.5), dbSNP rs1835731335, ClinGen allele CA375563270.